The following is an entry in ClinVar:

ClinVar aggregate classification (germline): Uncertain significance (1 of 4 stars; one submission).

Conditions:
ZDHHC16-related disorder.

Submission:

3billion
Classification: Uncertain significance for ZDHHC16-related disorder. Last evaluated: 2025-06-09. Review status: criteria provided, single submitter. Criteria: ACMG Guidelines, 2015. Collection method: clinical testing. Allele origin: germline. Affected: yes.
Comment: The variant is not observed in the gnomAD v4.1.0 dataset. Predicted Consequence/Location: Stop-gained (nonsense): predicted to result in a loss or disruption of normal protein function through nonsense-mediated decay (NMD) or protein truncation. Multiple pathogenic variants are reported downstream of the variant. Therefore, this variant is classified as VUS according to the recommendation of ACMG/AMP guideline.

NM_198046.3(ZDHHC16):c.372G>A (p.Trp124Ter)

Gene: ZDHHC16 (zDHHC palmitoyltransferase 16; plus strand). Cytogenetic location: 10q24.1.
Variant type: single nucleotide variant.
Coding change: c.372G>A on transcript NM_198046.3 (MANE Select); coding-DNA position 372, G replaced by A.
Protein change: p.Trp124Ter; replaces tryptophan 124 with a stop codon.
Molecular consequence: nonsense. On other transcripts: intron variant (1).
Genome position (GRCh38, 1-based): chr10:97,452,218, G>A. VCF-style: chr10-97452218-G-A. GRCh37 (hg19) VCF-style: chr10-99211975-G-A.
Other names: c.372G>A, p.Trp124Ter (NM_001287803.2, NM_001287804.2, NM_032327.4 and 2 more transcripts); c.244-197G>A (NM_198045.3); short protein forms W124*.
Identifiers: ClinVar variation 4854936 (VCV004854936.1).